The following is an entry in ClinVar:

NM_015338.6(ASXL1):c.4130C>G (p.Pro1377Arg)

Gene: ASXL1 (ASXL transcriptional regulator 1; plus strand). Cytogenetic location: 20q11.21.
Variant type: single nucleotide variant.
Coding change: c.4130C>G on transcript NM_015338.6 (MANE Select); coding-DNA position 4130, C replaced by G.
Protein change: p.Pro1377Arg; replaces proline 1377 with arginine.
Molecular consequence: missense variant.
Genome position (GRCh38, 1-based): chr20:32,436,842, C>G. VCF-style: chr20-32436842-C-G. GRCh37 (hg19) VCF-style: chr20-31024645-C-G.
Other names: c.3947C>G, p.Pro1316Arg (NM_001363734.1); short protein forms P1316R, P1377R.
Identifiers: ClinVar variation 3438719 (VCV003438719.1).

ClinVar aggregate classification (germline): Uncertain significance (1 of 4 stars; one submission).

Conditions:
Inborn genetic diseases. Identifiers: MedGen C0950123, MeSH D030342.

Submission:

Ambry Genetics
Classification: Uncertain significance for Inborn genetic diseases. Last evaluated: 2024-11-23. Review status: criteria provided, single submitter. Criteria: Ambry Variant Classification Scheme 2023. Collection method: clinical testing. Allele origin: germline.
Comment: The p.P1377R variant (also known as c.4130C>G), located in coding exon 13 of the ASXL1 gene, results from a C to G substitution at nucleotide position 4130. The proline at codon 1377 is replaced by arginine, an amino acid with dissimilar properties. This amino acid position is conserved. In addition, this alteration is predicted to be tolerated by in silico analysis. Based on the available evidence, the clinical significance of this variant remains unclear.